The following is an entry in ClinVar:

NM_004606.5(TAF1):c.817G>A (p.Glu273Lys)

Gene: TAF1 (TATA-box binding protein associated factor 1; plus strand). Cytogenetic location: Xq13.1.
Variant type: single nucleotide variant.
Coding change: c.817G>A on transcript NM_004606.5 (MANE Select); coding-DNA position 817, G replaced by A.
Protein change: p.Glu273Lys; replaces glutamic acid 273 with lysine.
Molecular consequence: missense variant. On other transcripts: non-coding transcript variant (9).
Genome position (GRCh38, 1-based): chrX:71,377,705, G>A. VCF-style: chrX-71377705-G-A. GRCh37 (hg19) VCF-style: chrX-70597555-G-A.
Other names: c.817G>A, p.Glu273Lys (NM_001286074.2, NM_001440852.1, NM_001440853.1); c.754G>A, p.Glu252Lys (NM_001440854.1, NM_138923.4); short protein forms E252K, E273K.
Identifiers: ClinVar variation 4738714 (VCV004738714.1).

ClinVar aggregate classification (germline): Uncertain significance (1 of 4 stars; one submission).

Submission:

Labcorp Genetics (formerly Invitae), Labcorp
Classification: Uncertain significance. Last evaluated: 2025-10-01. Review status: criteria provided, single submitter. Criteria: Invitae Variant Classification Sherloc (09022015). Collection method: clinical testing. Allele origin: germline.
Comment: This sequence change replaces glutamic acid, which is acidic and polar, with lysine, which is basic and polar, at codon 293 of the TAF1 protein (p.Glu293Lys). This variant is not present in population databases (gnomAD no frequency). This variant has not been reported in the literature in individuals affected with TAF1-related conditions. Invitae Evidence Modeling of protein sequence and biophysical properties (such as structural, functional, and spatial information, amino acid conservation, physicochemical variation, residue mobility, and thermodynamic stability) indicates that this missense variant is not expected to disrupt TAF1 protein function with a negative predictive value of 80%. In summary, the available evidence is currently insufficient to determine the role of this variant in disease. Therefore, it has been classified as a Variant of Uncertain Significance.